The following is an entry in ClinVar:

ClinVar aggregate classification (germline): Benign (1 of 4 stars; one submission).

Conditions:
Anemia, nonspherocytic hemolytic, due to G6PD deficiency (CNSHA1). Also called: Hemolytic anemia due to G6PD deficiency; Class I glucose-6-phosphate dehydrogenase deficiency; Favism, susceptibility to; ANEMIA, CONGENITAL, NONSPHEROCYTIC HEMOLYTIC, 1. Identifiers: Orphanet 466026, MedGen C2720289, MONDO:0010480, OMIM 300908.

Allele frequency attached by ClinVar (database versions not stated): gnomAD 0.13000; 1000 Genomes Project 0.13934; 1000 Genomes Project 30x 0.14860; TOPMed 0.15350.
gnomAD v4.1: 13,987 of 108,594 alleles (13%); highest among the groups gnomAD compares: African/African-American, 45%; 2,388 homozygotes.

Submission:

Dunham Lab, University of Washington
Classification: Benign for Anemia, nonspherocytic hemolytic, due to G6PD deficiency. Last evaluated: 2022-08-12. Review status: criteria provided, single submitter. Criteria: ACMG Guidelines, 2015. Collection method: curation. Allele origin: unknown.
Comment: Variant found at a frequency of over 12% in gnomAD (BA1).

NM_001360016.2(G6PD):c.121-1792T>C

Gene: G6PD (glucose-6-phosphate dehydrogenase; minus strand). Cytogenetic location: Xq28.
Variant type: single nucleotide variant.
Coding change: c.121-1792T>C on transcript NM_001360016.2 (MANE Select); 1792 bases into the intron before coding-DNA position 121, T replaced by C.
Molecular consequence: intron variant.
Genome position (GRCh38, 1-based): chrX:154,537,970, A>G on the plus strand (T>C on the coding strand, the complement: G6PD is on the minus strand). VCF-style: chrX-154537970-A-G. GRCh37 (hg19) VCF-style: chrX-153766185-A-G.
Other names: c.211-1792T>C (NM_000402.4); c.121-1792T>C (NM_001042351.3).
Identifiers: ClinVar variation 1722585 (VCV001722585.2), dbSNP rs5986991, ClinGen allele CA337288949.
Genomic context (GRCh38, chrX:154,537,970, plus strand): 5'-TATCAGCAGGCCGGGCACAACTCACACACCCCAGCACTTTGGGAGACCAAGGTGGGAGGA[A>G]GATTGCTTGAAATCAGGAGGTTTTTTTTTTTTTTTTTTTTTAAAGACATGGTCTCACTCT-3'